The following is an entry in ClinVar:

NM_001370259.2(MEN1):c.881G>A (p.Gly294Asp)

Gene: MEN1 (menin 1; minus strand). Cytogenetic location: 11q13.1.
Variant type: single nucleotide variant.
Coding change: c.881G>A on transcript NM_001370259.2 (MANE Select); coding-DNA position 881, G replaced by A.
Protein change: p.Gly294Asp; replaces glycine 294 with aspartic acid.
Molecular consequence: missense variant.
Genome position (GRCh38, 1-based): chr11:64,807,042, C>T on the plus strand (G>A on the coding strand, the complement: MEN1 is on the minus strand). VCF-style: chr11-64807042-C-T. GRCh37 (hg19) VCF-style: chr11-64574514-C-T.
Other names: c.896G>A, p.Gly299Asp (NM_000244.4, NM_130800.3, NM_130801.3 and 3 more transcripts); c.881G>A, p.Gly294Asp (NM_001370251.2, NM_001370260.2, NM_001370261.2 and 1 more transcripts); c.776G>A, p.Gly259Asp (NM_001370262.2, NM_001370263.2); short protein forms G259D, G294D, G299D.
Identifiers: ClinVar variation 837023 (VCV000837023.10), dbSNP rs1941778425, ClinGen allele CA381183540.

ClinVar aggregate classification (germline): Uncertain significance. Review status: criteria provided, multiple submitters, no conflicts (2 of 4 stars). 2 submissions from 2 submitters: Uncertain significance (2). Last evaluated 2024-05-31.

Conditions:
Multiple endocrine neoplasia, type 1 (MEN1). Also called: MEA I; MEN I; WERMER SYNDROME; Endocrine adenomatosis multiple; MEN 1. Identifiers: Orphanet 652, MedGen C0025267, MeSH D018761, MONDO:0007540, OMIM 131100.
Hereditary cancer-predisposing syndrome. Also called: Neoplastic Syndromes, Hereditary; Hereditary neoplastic syndrome; Tumor predisposition; Hereditary Cancer Syndrome. Identifiers: Orphanet 140162, MedGen C0027672, MeSH D009386, MONDO:0015356.

Submissions (2):

Ambry Genetics
Classification: Uncertain significance for Hereditary cancer-predisposing syndrome. Last evaluated: 2024-05-31. Review status: criteria provided, single submitter. Criteria: Ambry Variant Classification Scheme 2023. Collection method: clinical testing. Allele origin: germline.
Comment: The p.G294D variant (also known as c.881G>A), located in coding exon 5 of the MEN1 gene, results from a G to A substitution at nucleotide position 881. The glycine at codon 294 is replaced by aspartic acid, an amino acid with similar properties. This amino acid position is conserved. In addition, the in silico prediction for this alteration is inconclusive. Based on the available evidence, the clinical significance of this variant remains unclear.

Labcorp Genetics (formerly Invitae), Labcorp
Classification: Uncertain significance for Multiple endocrine neoplasia, type 1. Last evaluated: 2022-04-06. Review status: criteria provided, single submitter. Criteria: Invitae Variant Classification Sherloc (09022015). Collection method: clinical testing. Allele origin: germline.
Comment: In summary, the available evidence is currently insufficient to determine the role of this variant in disease. Therefore, it has been classified as a Variant of Uncertain Significance. Advanced modeling of protein sequence and biophysical properties (such as structural, functional, and spatial information, amino acid conservation, physicochemical variation, residue mobility, and thermodynamic stability) performed at Invitae indicates that this missense variant is expected to disrupt MEN1 protein function. ClinVar contains an entry for this variant (Variation ID: 837023). This variant has not been reported in the literature in individuals affected with MEN1-related conditions. This variant is not present in population databases (gnomAD no frequency). This sequence change replaces glycine, which is neutral and non-polar, with aspartic acid, which is acidic and polar, at codon 294 of the MEN1 protein (p.Gly294Asp).